The following is an entry in ClinVar:

NM_020921.4(NIN):c.5632C>T (p.Arg1878Cys)

Gene: NIN (ninein; minus strand). Cytogenetic location: 14q22.1.
Variant type: single nucleotide variant.
Coding change: c.5632C>T on transcript NM_020921.4 (MANE Select); coding-DNA position 5632, C replaced by T.
Protein change: p.Arg1878Cys; replaces arginine 1878 with cysteine.
Molecular consequence: missense variant.
Genome position (GRCh38, 1-based): chr14:50,738,283, G>A on the plus strand (C>T on the coding strand, the complement: NIN is on the minus strand). VCF-style: chr14-50738283-G-A. GRCh37 (hg19) VCF-style: chr14-51205001-G-A.
Other names: c.3493C>T, p.Arg1165Cys (NM_016350.5); c.5632C>T, p.Arg1878Cys (NM_182944.3, NM_182946.2); c.5632C>T (NM_020921.3); short protein forms R1878C, R1165C.
Identifiers: ClinVar variation 2183661 (VCV002183661.5), dbSNP rs775083181, ClinGen allele CA7181192.

ClinVar aggregate classification (germline): Uncertain significance. Review status: criteria provided, multiple submitters, no conflicts (2 of 4 stars). 2 submissions from 2 submitters: Uncertain significance (2). Last evaluated 2025-08-23.

Allele frequency attached by ClinVar (database versions not stated): TOPMed below 0.00001; ExAC 0.00004.

Submissions (2):

Ambry Genetics
Classification: Uncertain significance. Last evaluated: 2025-08-23. Review status: criteria provided, single submitter. Criteria: Ambry Variant Classification Scheme 2023. Collection method: clinical testing. Allele origin: germline.

Labcorp Genetics (formerly Invitae), Labcorp
Classification: Uncertain significance. Last evaluated: 2021-12-02. Review status: criteria provided, single submitter. Criteria: Invitae Variant Classification Sherloc (09022015). Collection method: clinical testing. Allele origin: germline.
Comment: This sequence change replaces arginine, which is basic and polar, with cysteine, which is neutral and slightly polar, at codon 1878 of the NIN protein (p.Arg1878Cys). In summary, the available evidence is currently insufficient to determine the role of this variant in disease. Therefore, it has been classified as a Variant of Uncertain Significance. Algorithms developed to predict the effect of missense changes on protein structure and function (SIFT, PolyPhen-2, Align-GVGD) all suggest that this variant is likely to be disruptive. This variant has not been reported in the literature in individuals affected with NIN-related conditions. This variant is present in population databases (rs775083181, gnomAD 0.01%).